The following is an entry in ClinVar:

NM_019066.5(MAGEL2):c.618_677del (p.181HPPPPGTPMA[3])

Gene: MAGEL2 (MAGE family member L2; minus strand). Cytogenetic location: 15q11.2.
Variant type: Deletion.
Coding change: c.618_677del on transcript NM_019066.5 (MANE Select); coding-DNA positions 618 to 677, 60 bases deleted.
Protein change: p.181HPPPPGTPMA[3].
Genome position (GRCh38, 1-based): chr15:23,647,066-23,647,125, 60 bases deleted. GRCh37 (hg19): chr15:23,892,251-23,892,310.
Other names: c.618_677del60 (NM_019066.4).
Identifiers: ClinVar variation 4923527 (VCV004923527.2).

ClinVar aggregate classification (germline): Uncertain significance. Review status: criteria provided, multiple submitters, no conflicts (2 of 4 stars). 2 submissions from 2 submitters: Uncertain significance (2). Last evaluated 2026-04-21.

Conditions:
MAGEL2-related disorder. Also called: MAGEL2-related condition.

Submissions (2):

PreventionGenetics, part of Exact Sciences
Classification: Uncertain significance for MAGEL2-related condition. Last evaluated: 2026-04-21. Review status: criteria provided, single submitter. Criteria: ACMG Guidelines, 2015. Collection method: clinical testing. Allele origin: germline.
Comment: The MAGEL2 c.618_677del60 variant is predicted to result in an in-frame deletion (p.Thr207_Gly226del). To our knowledge, this variant has not been reported in the literature or in a large population database (gnomAD), indicating this variant is rare. At this time, the clinical significance of this variant is uncertain due to the absence of conclusive functional and genetic evidence.

Blueprint Genetics
Classification: Uncertain significance. Last evaluated: 2023-05-24. Review status: criteria provided, single submitter. Criteria: ACMG Guidelines, 2015. Collection method: clinical testing. Allele origin: germline.